The following is an entry in ClinVar:

ClinVar aggregate classification (germline): Uncertain significance. Review status: criteria provided, multiple submitters, no conflicts (2 of 4 stars). 4 submissions from 4 submitters: Uncertain significance (4). Last evaluated 2025-09-10.

Conditions:
COG1 congenital disorder of glycosylation (CDG2G). Also called: CDG IIg; CDGII/COG1 CEREBROCOSTOMANDIBULAR-LIKE SYNDROME; CONGENITAL DISORDER OF GLYCOSYLATION, TYPE IIg. Identifiers: Orphanet 263508, MedGen C2931011, MONDO:0012637, OMIM 611209.
Inborn genetic diseases. Identifiers: MedGen C0950123, MeSH D030342.

Allele frequency attached by ClinVar (database versions not stated): TOPMed 0.00001; ExAC 0.00003; gnomAD exomes 0.00004.
gnomAD v4.1: 14 of 1,613,970 alleles (0.00087%); highest among the groups gnomAD compares: Admixed American, 0.02%; no homozygotes.

Submissions (4):

Ambry Genetics
Classification: Uncertain significance for Inborn genetic diseases. Last evaluated: 2025-09-10. Review status: criteria provided, single submitter. Criteria: Ambry Variant Classification Scheme 2023. Collection method: clinical testing. Allele origin: germline.

Labcorp Genetics (formerly Invitae), Labcorp
Classification: Uncertain significance for COG1 congenital disorder of glycosylation. Last evaluated: 2022-08-12. Review status: criteria provided, single submitter. Criteria: Invitae Variant Classification Sherloc (09022015). Collection method: clinical testing. Allele origin: germline.
Comment: This sequence change replaces aspartic acid, which is acidic and polar, with asparagine, which is neutral and polar, at codon 946 of the COG1 protein (p.Asp946Asn). This variant is present in population databases (rs139440017, gnomAD 0.03%). This variant has not been reported in the literature in individuals affected with COG1-related conditions. ClinVar contains an entry for this variant (Variation ID: 445765). Algorithms developed to predict the effect of missense changes on protein structure and function (SIFT, PolyPhen-2, Align-GVGD) all suggest that this variant is likely to be tolerated. In summary, the available evidence is currently insufficient to determine the role of this variant in disease. Therefore, it has been classified as a Variant of Uncertain Significance.

GeneDx
Classification: Uncertain significance. Last evaluated: 2021-09-20. Review status: criteria provided, single submitter. Criteria: GeneDx Variant Classification Process June 2021. Collection method: clinical testing. Allele origin: germline. Affected: yes.
Comment: In silico analysis, which includes protein predictors and evolutionary conservation, supports that this variant does not alter protein structure/function; Has not been previously published as pathogenic or benign to our knowledge

Center for Pediatric Genomic Medicine, Children's Mercy Hospital and Clinics
Classification: Uncertain significance. Last evaluated: 2017-07-07. Review status: criteria provided, single submitter. Criteria: ACMG Guidelines, 2015. Collection method: clinical testing. Allele origin: germline.

NM_018714.3(COG1):c.2836G>A (p.Asp946Asn)

Genes: COG1 (component of oligomeric golgi complex 1; plus strand), VCF1 (VCP nuclear cofactor family member 1; minus strand). Cytogenetic location: 17q25.1.
Variant type: single nucleotide variant.
Coding change: c.2836G>A on transcript NM_018714.3 (MANE Select); coding-DNA position 2836, G replaced by A.
Protein change: p.Asp946Asn; replaces aspartic acid 946 with asparagine.
Molecular consequence: missense variant. On other transcripts: 3 prime UTR variant (5).
Genome position (GRCh38, 1-based): chr17:73,208,344, G>A. VCF-style: chr17-73208344-G-A. GRCh37 (hg19) VCF-style: chr17-71204483-G-A.
Other names: c.*1185C>T (NM_001098832.2, NM_001289412.2, NM_032837.3); c.*1334C>T (NM_001289410.1, NM_001289411.1); short protein forms D946N.
Identifiers: ClinVar variation 445765 (VCV000445765.11), dbSNP rs139440017, ClinGen allele CA8740682.
Genomic context (GRCh38, chr17:73,208,344, plus strand): 5'-TAAGGCACTTTTCTCTACATCCAATGGCAGGTTGTCCCCCCGGCACGCTCCACAGCTGGT[G>A]ACCCGACAGTTCCTGGCTCCTTGTTCAGACAGCTTGTCAGTGAAGAAGACAACACGTCTG-3'
Protein context (NP_061184.1, residues 936-956): VVPPARSTAG[Asp946Asn]PTVPGSLFRQ